The following is an entry in ClinVar:

ClinVar aggregate classification (germline): Uncertain significance (1 of 4 stars; one submission).

Conditions:
Fanconi anemia (FA). Also called: Fanconi's anemia. Identifiers: Orphanet 84, MedGen C0015625, MeSH D005199, MONDO:0019391.

Allele frequency attached by ClinVar (database versions not stated): gnomAD exomes 0.00001.
gnomAD v4.1: 13 of 1,614,040 alleles (0.00081%); highest among the groups gnomAD compares: Non-Finnish European, 0.0011%; no homozygotes.

Submission:

Labcorp Genetics (formerly Invitae), Labcorp
Classification: Uncertain significance for Fanconi anemia. Last evaluated: 2022-02-22. Review status: criteria provided, single submitter. Criteria: Invitae Variant Classification Sherloc (09022015). Collection method: clinical testing. Allele origin: germline.
Comment: In summary, the available evidence is currently insufficient to determine the role of this variant in disease. Therefore, it has been classified as a Variant of Uncertain Significance. Algorithms developed to predict the effect of missense changes on protein structure and function (SIFT, PolyPhen-2, Align-GVGD) all suggest that this variant is likely to be tolerated. This variant has not been reported in the literature in individuals affected with FANCI-related conditions. This variant is not present in population databases (gnomAD no frequency). This sequence change replaces threonine, which is neutral and polar, with alanine, which is neutral and non-polar, at codon 70 of the FANCI protein (p.Thr70Ala).

NM_001113378.2(FANCI):c.208A>G (p.Thr70Ala)

Gene: FANCI (FA complementation group I; plus strand). Cytogenetic location: 15q26.1.
Variant type: single nucleotide variant.
Coding change: c.208A>G on transcript NM_001113378.2 (MANE Select); coding-DNA position 208, A replaced by G.
Protein change: p.Thr70Ala; replaces threonine 70 with alanine.
Molecular consequence: missense variant. On other transcripts: 5 prime UTR variant (1).
Genome position (GRCh38, 1-based): chr15:89,260,763, A>G. VCF-style: chr15-89260763-A-G. GRCh37 (hg19) VCF-style: chr15-89803994-A-G.
Other names: c.-72A>G (NM_001376910.1); c.208A>G, p.Thr70Ala (NM_001376911.1, NM_018193.3); short protein forms T70A.
Identifiers: ClinVar variation 1897471 (VCV001897471.5), dbSNP rs2505878988, ClinGen allele CA393737893.
Genomic context (GRCh38, chr15:89,260,763, plus strand): 5'-AAACAATAAGGTTCCCCCTGCTCTGAGGAAGCTGGAACACTTAGGAGACGTAAGATATAC[A>G]CTTGTTGTATCCAGTTGGTGGAATCGGGGGATTTGCAGAAAGAAATAGCGTCTGAGATCA-3'
Protein context (NP_001106849.1, residues 60-80): AGTLRRRKIY[Thr70Ala]CCIQLVESGD